The following is an entry in ClinVar:

ClinVar aggregate classification (germline): Uncertain significance (1 of 4 stars; one submission).

gnomAD v4.1: 5 of 1,613,226 alleles (0.00031%); highest among the groups gnomAD compares: Non-Finnish European, 0.00042%; no homozygotes.

Submission:

Labcorp Genetics (formerly Invitae), Labcorp
Classification: Uncertain significance. Last evaluated: 2022-02-24. Review status: criteria provided, single submitter. Criteria: Invitae Variant Classification Sherloc (09022015). Collection method: clinical testing. Allele origin: germline.
Comment: This sequence change replaces valine, which is neutral and non-polar, with leucine, which is neutral and non-polar, at codon 230 of the USH2A protein (p.Val230Leu). This variant is present in population databases (no rsID available, gnomAD 0.0009%). This variant has not been reported in the literature in individuals affected with USH2A-related conditions. Algorithms developed to predict the effect of missense changes on protein structure and function output the following: SIFT: "Tolerated"; PolyPhen-2: "Benign"; Align-GVGD: "Class C0". The leucine amino acid residue is found in multiple mammalian species, which suggests that this missense change does not adversely affect protein function. In summary, the available evidence is currently insufficient to determine the role of this variant in disease. Therefore, it has been classified as a Variant of Uncertain Significance.

NM_206933.4(USH2A):c.688G>T (p.Val230Leu)

Gene: USH2A (usherin; minus strand). Cytogenetic location: 1q41.
Variant type: single nucleotide variant.
Coding change: c.688G>T on transcript NM_206933.4 (MANE Select); coding-DNA position 688, G replaced by T.
Protein change: p.Val230Leu; replaces valine 230 with leucine.
Molecular consequence: missense variant.
Genome position (GRCh38, 1-based): chr1:216,365,049, C>A on the plus strand (G>T on the coding strand, the complement: USH2A is on the minus strand). VCF-style: chr1-216365049-C-A. GRCh37 (hg19) VCF-style: chr1-216538391-C-A.
Other names: c.688G>T, p.Val230Leu (NM_007123.6); short protein forms V230L.
Identifiers: ClinVar variation 2413560 (VCV002413560.3), dbSNP rs45500891, ClinGen allele CA344908401.
Genomic context (GRCh38, chr1:216,365,049, plus strand): 5'-CAAAATCTGTAATTGAACCACTTAGAGTTCTTGCATTGAAAGGTGTATGATCCTTCTCCA[C>A]GCCATTGATAAAGAAGCTGATTTTTGTCTGATGCACCTGTAAGAAATTACCACCATTATT-3'
Protein context (NP_996816.3, residues 220-240): QTKISFFING[Val230Leu]EKDHTPFNAR